The following is an entry in ClinVar:

NM_001025356.3(ANO6):c.2183T>C (p.Met728Thr)

Gene: ANO6 (anoctamin 6; plus strand). Cytogenetic location: 12q12.
Variant type: single nucleotide variant.
Coding change: c.2183T>C on transcript NM_001025356.3 (MANE Select); coding-DNA position 2183, T replaced by C.
Protein change: p.Met728Thr; replaces methionine 728 with threonine.
Molecular consequence: missense variant.
Genome position (GRCh38, 1-based): chr12:45,416,870, T>C. VCF-style: chr12-45416870-T-C. GRCh37 (hg19) VCF-style: chr12-45810653-T-C.
Other names: p.Met728Thr; c.2183T>C, p.Met728Thr (NM_001142679.2); c.2246T>C, p.Met749Thr (NM_001204803.2); c.2129T>C, p.Met710Thr (NM_001142678.2); short protein forms M749T, M710T, M728T.
Identifiers: ClinVar variation 788578 (VCV000788578.10), dbSNP rs61740396, ClinGen allele CA6525534.

ClinVar aggregate classification (germline): Benign/Likely benign. Review status: criteria provided, multiple submitters, no conflicts (2 of 4 stars). 3 submissions from 3 submitters: Benign (2); Likely benign (1). Last evaluated 2026-01-19.

Allele frequency attached by ClinVar (database versions not stated): gnomAD exomes 0.00102 and 0.00313; ExAC 0.00402; gnomAD 0.01153 and 0.01237; TOPMed 0.01369; ESP Exome Variant Server 0.01469; 1000 Genomes Project 0.01538; 1000 Genomes Project 30x 0.01702.
gnomAD v4.1: 3,302 of 1,614,176 alleles (0.2%); highest among the groups gnomAD compares: African/African-American, 3.9%; 65 homozygotes.

Submissions (3):

Labcorp Genetics (formerly Invitae), Labcorp
Classification: Benign. Last evaluated: 2026-01-19. Review status: criteria provided, single submitter. Criteria: Invitae Variant Classification Sherloc (09022015). Collection method: clinical testing. Allele origin: germline.

Mayo Clinic Laboratories, Mayo Clinic
Classification: Likely benign. Last evaluated: 2025-12-17. Review status: criteria provided, single submitter. Criteria: ACMG Guidelines, 2015. Collection method: clinical testing. Allele origin: germline. Observed: 14 variant alleles.
Comment: BS1, BS2, PM1_supporting

Breakthrough Genomics
Classification: Benign. Review status: criteria provided, single submitter. Criteria: ACMG Guidelines, 2015. Collection method: not provided. Allele origin: germline. Inheritance: Autosomal recessive inheritance. Affected: yes.